The following is an entry in ClinVar:

ClinVar aggregate classification (germline): Benign (1 of 4 stars; one submission).

Conditions:
POLD1-related polyposis and colorectal cancer syndrome (CRCS10). Also called: Colorectal cancer 10; COLORECTAL CANCER, SUSCEPTIBILITY TO, ON CHROMOSOME 19q; Colorectal cancer, susceptibility to, 10. Identifiers: Orphanet 220460, MedGen C2675481, MONDO:0012953, OMIM 612591.

Submission:

Myriad Genetics, Inc.
Classification: Benign for POLD1-related polyposis and colorectal cancer syndrome. Last evaluated: 2025-02-06. Review status: criteria provided, single submitter. Criteria: Myriad Autosomal Dominant, Autosomal Recessive and X-Linked Classification Criteria (2023). Collection method: clinical testing. Allele origin: unknown.
Comment: This variant is considered benign. This variant is a silent/synonymous amino acid change and it is not expected to impact splicing.

NM_002691.4(POLD1):c.1563G>A (p.Arg521=)

Gene: POLD1 (DNA polymerase delta 1, catalytic subunit; plus strand). Cytogenetic location: 19q13.33.
Variant type: single nucleotide variant.
Coding change: c.1563G>A on transcript NM_002691.4 (MANE Select); coding-DNA position 1563, G replaced by A.
Protein change: p.Arg521=; no amino-acid change (arginine 521 retained).
Molecular consequence: synonymous variant. On other transcripts: non-coding transcript variant (1).
Genome position (GRCh38, 1-based): chr19:50,407,051, G>A. VCF-style: chr19-50407051-G-A. GRCh37 (hg19) VCF-style: chr19-50910308-G-A.
Other names: c.1563G>A, p.Arg521= (NM_001256849.1, NM_001308632.1).
Identifiers: ClinVar variation 3904375 (VCV003904375.1).
Genomic context (GRCh38, chr19:50,407,051, plus strand): 5'-CGACCAGACCCGCCGCCGCCTGGCTGTGTACTGCCTGAAGGATGCCTACCTGCCACTGCG[G>A]CTGCTGGAGCGGCTCATGGTGCTGGTGAACGCCGTGGAGATGGCGAGGGTCACTGGCGTG-3'
Protein context (NP_002682.2, residues 511-531): YCLKDAYLPL[Arg521=]LLERLMVLVN